The following is an entry in ClinVar:

ClinVar aggregate classification (germline): Likely benign (0 of 4 stars; one submission).

Conditions:
ACSF3-related disorder. Also called: ACSF3-related condition.

gnomAD v4.1: 1 of 1,612,944 alleles (0.000062%); highest among the groups gnomAD compares: Admixed American, 0.0017%; no homozygotes.

Submission:

PreventionGenetics, part of Exact Sciences
Classification: Likely benign for ACSF3-related condition. Last evaluated: 2019-05-22. Review status: no assertion criteria provided. Collection method: clinical testing. Allele origin: germline.
Comment: This variant is classified as likely benign based on ACMG/AMP sequence variant interpretation guidelines (Richards et al. 2015 PMID: 25741868, with internal and published modifications).

NM_001243279.3(ACSF3):c.*3C>G

Gene: ACSF3 (acyl-CoA synthetase family member 3; plus strand). Cytogenetic location: 16q24.3.
Variant type: single nucleotide variant.
Coding change: c.*3C>G on transcript NM_001243279.3 (MANE Select); 3 bases downstream of the stop codon, C replaced by G.
Molecular consequence: 3 prime UTR variant. On other transcripts: non-coding transcript variant (4).
Genome position (GRCh38, 1-based): chr16:89,154,210, C>G. VCF-style: chr16-89154210-C-G. GRCh37 (hg19) VCF-style: chr16-89220618-C-G.
Other names: c.*3C>G (NM_001127214.4, NM_001284316.2, NM_174917.5).
Identifiers: ClinVar variation 3352562 (VCV003352562.1).